The following is an entry in ClinVar:

NM_138370.3(PKDCC):c.97C>A (p.Pro33Thr)

Genes: PKDCC (protein kinase domain containing, cytoplasmic; plus strand), LOC129933563 (ATAC-STARR-seq lymphoblastoid silent region 11396; plus strand). Cytogenetic location: 2p21.
Variant type: single nucleotide variant.
Coding change: c.97C>A on transcript NM_138370.3 (MANE Select); coding-DNA position 97, C replaced by A.
Protein change: p.Pro33Thr; replaces proline 33 with threonine.
Molecular consequence: missense variant.
Genome position (GRCh38, 1-based): chr2:42,048,296, C>A. VCF-style: chr2-42048296-C-A. GRCh37 (hg19) VCF-style: chr2-42275436-C-A.
Other names: short protein forms P33T.
Identifiers: ClinVar variation 1379655 (VCV001379655.8), dbSNP rs2103921770, ClinGen allele CA346622473.

ClinVar aggregate classification (germline): Uncertain significance (1 of 4 stars; one submission).

gnomAD v4.1: 1 of 1,261,620 alleles (0.000079%); highest among the groups gnomAD compares: Non-Finnish European, 0.0001%; no homozygotes.

Submission:

Labcorp Genetics (formerly Invitae), Labcorp
Classification: Uncertain significance. Last evaluated: 2021-04-13. Review status: criteria provided, single submitter. Criteria: Invitae Variant Classification Sherloc (09022015). Collection method: clinical testing. Allele origin: germline.
Comment: In summary, the available evidence is currently insufficient to determine the role of this variant in disease. Therefore, it has been classified as a Variant of Uncertain Significance. Algorithms developed to predict the effect of missense changes on protein structure and function are either unavailable or do not agree on the potential impact of this missense change (SIFT: "Deleterious"; PolyPhen-2: "Benign"; Align-GVGD: "Class C0"). This variant has not been reported in the literature in individuals with PKDCC-related conditions. The frequency data for this variant in the population databases is considered unreliable, as metrics indicate insufficient coverage at this position in the ExAC database. This sequence change replaces proline with threonine at codon 33 of the PKDCC protein (p.Pro33Thr). The proline residue is weakly conserved and there is a small physicochemical difference between proline and threonine.